The following is an entry in ClinVar:

ClinVar aggregate classification (germline): Pathogenic (1 of 4 stars; one submission).

Conditions:
Epilepsy, familial focal, with variable foci 3 (FFEVF3). Identifiers: MedGen C4310708, MONDO:0014925, OMIM 617118.

Submission:

Labcorp Genetics (formerly Invitae), Labcorp
Classification: Pathogenic for Epilepsy, familial focal, with variable foci 3. Last evaluated: 2019-12-18. Review status: criteria provided, single submitter. Criteria: Invitae Variant Classification Sherloc (09022015). Collection method: clinical testing. Allele origin: germline.
Comment: This variant is an out-of-frame deletion of the genomic region encompassing exon 3 of the NPRL3 gene. This creates a premature translational stop signal and is expected to result in an absent or disrupted protein product. Deletion of exon 3 has not been reported in the literature in indivduals affected with an NPRL3-related disease. Loss-of-function variants in NPRL3 are known to be pathogenic (PMID: 26505888, 26285051, 22538705). For these reasons, this variant has been classified as Pathogenic.

NC_000016.10:g.(?_130502)_(130611_?)del

Genes: HBA-LCR (alpha-globin locus control region; plus strand), NPRL3 (NPR3 like, GATOR1 complex subunit; minus strand). Cytogenetic location: 16p13.3.
Variant type: Deletion.
Identifiers: ClinVar variation 476212 (VCV000476212.3).